The following is an entry in ClinVar:

NM_001243133.2(NLRP3):c.278-28G>A

Gene: NLRP3 (NLR family pyrin domain containing 3; plus strand). Cytogenetic location: 1q44.
Variant type: single nucleotide variant.
Coding change: c.278-28G>A on transcript NM_001243133.2 (MANE Select); 28 bases into the intron before coding-DNA position 278, G replaced by A.
Molecular consequence: intron variant.
Genome position (GRCh38, 1-based): chr1:247,423,202, G>A. VCF-style: chr1-247423202-G-A. GRCh37 (hg19) VCF-style: chr1-247586504-G-A.
Other names: c.284-28G>A (NM_004895.5); c.278-28G>A (NM_001127461.3, NM_001127462.3, NM_183395.3 and 1 more transcripts).
Identifiers: ClinVar variation 103038 (VCV000103038.2), dbSNP rs199475728, ClinGen allele CA230002.

ClinVar aggregate classification (germline): not provided (0 of 4 stars; one submission).

Allele frequency attached by ClinVar (database versions not stated): gnomAD 0.00001 and 0.00003; TOPMed 0.00003; gnomAD exomes 0.00017 and 0.00020; ExAC 0.00019.
gnomAD v4.1: 238 of 1,613,792 alleles (0.015%); highest among the groups gnomAD compares: East Asian, 0.52%; 1 homozygote.

Submission:

Human Evolutionary Genetics, Institut Pasteur
No classification provided. Review status: no classification provided. Collection method: not provided. Allele origin: germline.
ClinVar note: Converted during submission from untested to not provided.